The following is an entry in ClinVar:

ClinVar aggregate classification (germline): Uncertain significance (1 of 4 stars; one submission).

Allele frequency attached by ClinVar (database versions not stated): gnomAD 0.00001.

Submission:

Labcorp Genetics (formerly Invitae), Labcorp
Classification: Uncertain significance. Last evaluated: 2024-01-26. Review status: criteria provided, single submitter. Criteria: Invitae Variant Classification Sherloc (09022015). Collection method: clinical testing. Allele origin: germline.
Comment: This sequence change replaces glycine, which is neutral and non-polar, with serine, which is neutral and polar, at codon 852 of the TONSL protein (p.Gly852Ser). This variant is not present in population databases (gnomAD no frequency). This variant has not been reported in the literature in individuals affected with TONSL-related conditions. Advanced modeling of protein sequence and biophysical properties (such as structural, functional, and spatial information, amino acid conservation, physicochemical variation, residue mobility, and thermodynamic stability) performed at Invitae indicates that this missense variant is not expected to disrupt TONSL protein function with a negative predictive value of 80%. In summary, the available evidence is currently insufficient to determine the role of this variant in disease. Therefore, it has been classified as a Variant of Uncertain Significance.

NM_013432.5(TONSL):c.2554G>A (p.Gly852Ser)

Genes: TONSL (tonsoku like, DNA repair protein; minus strand), TONSL-AS1 (TONSL antisense RNA 1; plus strand). Cytogenetic location: 8q24.3.
Variant type: single nucleotide variant.
Coding change: c.2554G>A on transcript NM_013432.5 (MANE Select); coding-DNA position 2554, G replaced by A.
Protein change: p.Gly852Ser; replaces glycine 852 with serine.
Molecular consequence: missense variant.
Genome position (GRCh38, 1-based): chr8:144,435,879, C>T on the plus strand (G>A on the coding strand, the complement: TONSL is on the minus strand). VCF-style: chr8-144435879-C-T. GRCh37 (hg19) VCF-style: chr8-145661262-C-T.
Other names: short protein forms G852S.
Identifiers: ClinVar variation 2711727 (VCV002711727.3), dbSNP rs1823429547, ClinGen allele CA372654373.
Genomic context (GRCh38, chr8:144,435,879, plus strand): 5'-GCCTGCTCTCCTCACTGTCCGACCCAGAGGTACTACTGGGCCTGCGGTTGTCTCCAGTGC[C>T]CCGGGGGCGGGGCCGGCGGCTGCGGGTCAGGGGCATGTCCAGCTCCAGCCAGTCCCCGGC-3'
Protein context (NP_038460.4, residues 842-862): LTRSRRPRPR[Gly852Ser]TGDNRRPSST